The following is an entry in ClinVar:

ClinVar aggregate classification (germline): Uncertain significance (1 of 4 stars; one submission).

Conditions:
Cardiovascular phenotype. Identifiers: MedGen CN230736.

Allele frequency attached by ClinVar (database versions not stated): TOPMed 0.00003; gnomAD 0.00004; ExAC 0.00002; gnomAD exomes 0.00002.
gnomAD v4.1: 32 of 1,610,564 alleles (0.002%); highest among the groups gnomAD compares: Admixed American, 0.005%; no homozygotes.

Submission:

Ambry Genetics
Classification: Uncertain significance for Cardiovascular phenotype. Last evaluated: 2025-11-24. Review status: criteria provided, single submitter. Criteria: Ambry Variant Classification Scheme 2023. Collection method: clinical testing. Allele origin: germline.
Comment: The p.H211P variant (also known as c.632A>C), located in coding exon 6 of the TECRL gene, results from an A to C substitution at nucleotide position 632. The histidine at codon 211 is replaced by proline, an amino acid with similar properties. This amino acid position is well conserved in available vertebrate species. In addition, the in silico prediction for this alteration is inconclusive. Since supporting evidence is limited at this time, the clinical significance of this alteration remains unclear.

NM_001010874.5(TECRL):c.632A>C (p.His211Pro)

Gene: TECRL (trans-2,3-enoyl-CoA reductase like; minus strand). Cytogenetic location: 4q13.1.
Variant type: single nucleotide variant.
Coding change: c.632A>C on transcript NM_001010874.5 (MANE Select); coding-DNA position 632, A replaced by C.
Protein change: p.His211Pro; replaces histidine 211 with proline.
Molecular consequence: missense variant.
Genome position (GRCh38, 1-based): chr4:64,309,851, T>G on the plus strand (A>C on the coding strand, the complement: TECRL is on the minus strand). VCF-style: chr4-64309851-T-G. GRCh37 (hg19) VCF-style: chr4-65175569-T-G.
Other names: c.632A>C, p.His211Pro (NM_001363796.1); short protein forms H211P.
Identifiers: ClinVar variation 1752880 (VCV001752880.3), dbSNP rs745366710, ClinGen allele CA2935450.